The following is an entry in ClinVar:

ClinVar aggregate classification (germline): Benign (0 of 4 stars; one submission).

Conditions:
TRPM3-related disorder. Also called: TRPM3-related condition.

Allele frequency attached by ClinVar (database versions not stated): gnomAD exomes 0.00083; ExAC 0.00366; 1000 Genomes Project 0.00799; gnomAD 0.00897; 1000 Genomes Project 30x 0.00937; TOPMed 0.00996; ESP Exome Variant Server 0.01130.
gnomAD v4.1: 2,627 of 1,603,628 alleles (0.16%); highest among the groups gnomAD compares: African/African-American, 3.2%; 33 homozygotes.

Submissions (2):

PreventionGenetics, part of Exact Sciences
Classification: Benign for TRPM3-related condition. Last evaluated: 2019-03-29. Review status: no assertion criteria provided. Collection method: clinical testing. Allele origin: germline.
Comment: This variant is classified as benign based on ACMG/AMP sequence variant interpretation guidelines (Richards et al. 2015 PMID: 25741868, with internal and published modifications).

Dr. Peter K. Rogan Lab, Western University
No classification provided (evidence only). Condition: Uterine corpus endometrial carcinoma. Review status: no classification provided. Collection method: in vitro. Allele origin: not applicable. Functional consequence: retained intron. Not counted in ClinVar's aggregate classification.

NM_001366145.2(TRPM3):c.973+16686A>G

Gene: TRPM3 (transient receptor potential cation channel subfamily M member 3; minus strand). Cytogenetic location: 9q21.12.
Variant type: single nucleotide variant.
Coding change: c.973+16686A>G on transcript NM_001366145.2 (MANE Select); 16686 bases into the intron after coding-DNA position 973, A replaced by G.
Molecular consequence: intron variant.
Genome position (GRCh38, 1-based): chr9:70,811,161, T>C on the plus strand (A>G on the coding strand, the complement: TRPM3 is on the minus strand). VCF-style: chr9-70811161-T-C. GRCh37 (hg19) VCF-style: chr9-73426077-T-C.
Other names: NC_000009.11:g.73426077T>C; c.979+16686A>G (NM_001366143.2, NM_001366141.2, NM_001366142.2 and 1 more transcripts); c.973+16686A>G (NM_001366150.2, NM_001366151.2, NM_001007471.4 and 3 more transcripts); c.1048+9A>G (NM_001366148.2, NM_001366152.2, NM_001366147.2); c.514+16686A>G (NM_206944.5, NM_020952.6, NM_206945.5 and 3 more transcripts); c.589+9A>G (NM_206947.5, NM_206946.5, NM_001007470.3).
Identifiers: ClinVar variation 3038434 (VCV003038434.3), dbSNP rs116158640, ClinGen allele CA5078796.
Genomic context (GRCh38, chr9:70,811,161, plus strand): 5'-ATGAAGACTTCTGTGGTTAATTTCTTGGAGTTTAAGAAGAAATTCACATTTTCCATTAAT[T>C]ATACTTACCAACTGAGTCTAACTGGCAACTACCCCAAAATGAATAAAACAAGCGGGAGTC-3'